The following is an entry in ClinVar:

NM_000293.3(PHKB):c.2766-1G>A

Gene: PHKB (phosphorylase kinase regulatory subunit beta; plus strand). Cytogenetic location: 16q12.1.
Variant type: single nucleotide variant.
Coding change: c.2766-1G>A on transcript NM_000293.3 (MANE Select); the canonical splice acceptor site of the intron before coding-DNA position 2766, G replaced by A.
Molecular consequence: splice acceptor variant.
Genome position (GRCh38, 1-based): chr16:47,693,377, G>A. VCF-style: chr16-47693377-G-A. GRCh37 (hg19) VCF-style: chr16-47727288-G-A.
Other names: c.2766-1G>A (NM_001363837.1); c.2745-1G>A (NM_001031835.3).
Identifiers: ClinVar variation 3642247 (VCV003642247.2).
Genomic context (GRCh38, chr16:47,693,377, plus strand): 5'-CCCTGCTGTCTACCAGAACAAGCTTGTTCTTCAACTCTGAGACATTTGCCTTTTGTTACA[G>A]ATGTTGGCTGAACAGGCGTCAGATCGATGGGTCTTTGAATAGAACTCCCACCGGGTTCTA-3'

ClinVar aggregate classification (germline): Likely pathogenic (1 of 4 stars; one submission).

Conditions:
Glycogen storage disease IXb (GSD9B). Also called: PHOSPHORYLASE KINASE DEFICIENCY OF LIVER AND MUSCLE, AUTOSOMAL RECESSIVE; GLYCOGENOSIS OF LIVER AND MUSCLE, AUTOSOMAL RECESSIVE; GSD IXb. Identifiers: Orphanet 79240, MedGen C0543514, MONDO:0009868, OMIM 261750.

Submission:

Labcorp Genetics (formerly Invitae), Labcorp
Classification: Likely pathogenic for Glycogen storage disease IXb. Last evaluated: 2024-02-20. Review status: criteria provided, single submitter. Criteria: Invitae Variant Classification Sherloc (09022015). Collection method: clinical testing. Allele origin: germline.
Comment: This sequence change affects an acceptor splice site in intron 27 of the PHKB gene. It is expected to disrupt RNA splicing. Variants that disrupt the donor or acceptor splice site typically lead to a loss of protein function (PMID: 16199547), and loss-of-function variants in PHKB are known to be pathogenic (PMID: 9215682, 9326319). This variant is not present in population databases (gnomAD no frequency). This variant has not been reported in the literature in individuals affected with PHKB-related conditions. Algorithms developed to predict the effect of sequence changes on RNA splicing suggest that this variant may disrupt the consensus splice site. In summary, the currently available evidence indicates that the variant is pathogenic, but additional data are needed to prove that conclusively. Therefore, this variant has been classified as Likely Pathogenic.

Literature cited by the submitters: PubMed 16199547; PubMed 9215682; PubMed 9326319.